The following is an entry in ClinVar:

NM_001042492.3(NF1):c.1217T>A (p.Phe406Tyr)

Gene: NF1 (neurofibromin 1; plus strand). Cytogenetic location: 17q11.2.
Variant type: single nucleotide variant.
Coding change: c.1217T>A on transcript NM_001042492.3 (MANE Select); coding-DNA position 1217, T replaced by A.
Protein change: p.Phe406Tyr; replaces phenylalanine 406 with tyrosine.
Molecular consequence: missense variant.
Genome position (GRCh38, 1-based): chr17:31,201,442, T>A. VCF-style: chr17-31201442-T-A. GRCh37 (hg19) VCF-style: chr17-29528460-T-A.
Other names: c.1217T>A, p.Phe406Tyr (NM_000267.4, NM_001128147.3); short protein forms F406Y.
Identifiers: ClinVar variation 3404714 (VCV003404714.1).

ClinVar aggregate classification (germline): Uncertain significance (1 of 4 stars; one submission).

Conditions:
Hereditary cancer-predisposing syndrome. Also called: Hereditary Cancer Syndrome; Tumor predisposition; Hereditary neoplastic syndrome; Neoplastic Syndromes, Hereditary. Identifiers: Orphanet 140162, MedGen C0027672, MeSH D009386, MONDO:0015356.
Cardiovascular phenotype. Identifiers: MedGen CN230736.

gnomAD v4.1: 1 of 1,613,102 alleles (0.000062%); highest among the groups gnomAD compares: Non-Finnish European, 0.000085%; no homozygotes.

Submission:

Ambry Genetics
Classification: Uncertain significance for Cardiovascular phenotype; Hereditary cancer-predisposing syndrome. Last evaluated: 2024-08-19. Review status: criteria provided, single submitter. Criteria: Ambry Variant Classification Scheme 2023. Collection method: clinical testing. Allele origin: germline.
Comment: The p.F406Y variant (also known as c.1217T>A), located in coding exon 11 of the NF1 gene, results from a T to A substitution at nucleotide position 1217. The phenylalanine at codon 406 is replaced by tyrosine, an amino acid with highly similar properties. This amino acid position is conserved. In addition, the in silico prediction for this alteration is inconclusive. Based on the available evidence, the clinical significance of this variant remains unclear.